The following is an entry in ClinVar:

NM_000384.3(APOB):c.4585_4586delinsAT (p.Gly1529Ile)

Gene: APOB (apolipoprotein B; minus strand). Cytogenetic location: 2p24.1.
Variant type: Indel.
Coding change: c.4585_4586delinsAT on transcript NM_000384.3 (MANE Select); coding-DNA positions 4585 to 4586, GG replaced by AT.
Protein change: p.Gly1529Ile; replaces glycine 1529 with isoleucine.
Molecular consequence: missense variant.
Genome position (GRCh38, 1-based): chr2:21,012,282-21,012,283, CC replaced by AT on the plus strand (GG replaced by AT on the coding strand, the reverse complement: APOB is on the minus strand). VCF-style: chr2-21012282-CC-AT. GRCh37 (hg19) VCF-style: chr2-21235154-CC-AT.
Other names: short protein forms G1529I.
Identifiers: ClinVar variation 4788148 (VCV004788148.1).

ClinVar aggregate classification (germline): Uncertain significance (1 of 4 stars; one submission).

Conditions:
Familial hypobetalipoproteinemia 1. Also called: APOB-Related Familial Hypobetalipoproteinemia; Hypobetalipoproteinemia, normotriglyceridemic; Acanthocytosis with hypobetalipoproteinemia. Identifiers: MedGen C4551990, MONDO:0014252, OMIM 615558.
Hypercholesterolemia, autosomal dominant, type B (FHCL2). Also called: APOB-Related Familial Hypercholesterolemia, Autosomal Dominant; Familial hypercholesterolemia 2; Familial Hypercholesterolemia Type B; APOLIPOPROTEIN B-100, FAMILIAL DEFECTIVE; APOLIPOPROTEIN B-100, FAMILIAL LIGAND-DEFECTIVE; HYPERCHOLESTEROLEMIA, FAMILIAL, DUE TO LIGAND-DEFECTIVE APOLIPOPROTEIN B. Identifiers: MedGen C1704417, MONDO:0007751, OMIM 144010.

Submission:

Labcorp Genetics (formerly Invitae), Labcorp
Classification: Uncertain significance for Familial hypobetalipoproteinemia 1; Hypercholesterolemia, autosomal dominant, type B. Last evaluated: 2025-10-22. Review status: criteria provided, single submitter. Criteria: Invitae Variant Classification Sherloc (09022015). Collection method: clinical testing. Allele origin: germline.
Comment: This sequence change replaces glycine, which is neutral and non-polar, with isoleucine, which is neutral and non-polar, at codon 1529 of the APOB protein (p.Gly1529Ile). This variant is present in population databases (no rsID available, gnomAD 0.0007%). This variant has not been reported in the literature in individuals affected with APOB-related conditions. An algorithm developed to predict the effect of missense changes on protein structure and function (PolyPhen-2) suggests that this variant is likely to be disruptive. In summary, the available evidence is currently insufficient to determine the role of this variant in disease. Therefore, it has been classified as a Variant of Uncertain Significance.